The following is an entry in ClinVar:

ClinVar aggregate classification (germline): Uncertain significance. Review status: criteria provided, multiple submitters, no conflicts (2 of 4 stars). 2 submissions from 2 submitters: Uncertain significance (2). Last evaluated 2023-09-27.

Conditions:
Inborn genetic diseases. Identifiers: MedGen C0950123, MeSH D030342.

Allele frequency attached by ClinVar (database versions not stated): gnomAD 0.00001; gnomAD exomes 0.00001; TOPMed 0.00008.
gnomAD v4.1: 19 of 1,613,974 alleles (0.0012%); highest among the groups gnomAD compares: Middle Eastern, 0.016%; no homozygotes.

Submissions (2):

Labcorp Genetics (formerly Invitae), Labcorp
Classification: Uncertain significance. Last evaluated: 2023-09-27. Review status: criteria provided, single submitter. Criteria: Invitae Variant Classification Sherloc (09022015). Collection method: clinical testing. Allele origin: germline.
Comment: In summary, the available evidence is currently insufficient to determine the role of this variant in disease. Therefore, it has been classified as a Variant of Uncertain Significance. This sequence change replaces tyrosine, which is neutral and polar, with histidine, which is basic and polar, at codon 779 of the KMT2E protein (p.Tyr779His). This variant has not been reported in the literature in individuals affected with KMT2E-related conditions. ClinVar contains an entry for this variant (Variation ID: 1986362). Advanced modeling of protein sequence and biophysical properties (such as structural, functional, and spatial information, amino acid conservation, physicochemical variation, residue mobility, and thermodynamic stability) performed at Invitae indicates that this missense variant is not expected to disrupt KMT2E protein function. This variant is present in population databases (no rsID available, gnomAD 0.003%).

Ambry Genetics
Classification: Uncertain significance for Inborn genetic diseases. Last evaluated: 2021-08-30. Review status: criteria provided, single submitter. Criteria: Ambry Variant Classification Scheme 2023. Collection method: clinical testing. Allele origin: germline.

NM_182931.3(KMT2E):c.2335T>C (p.Tyr779His)

Gene: KMT2E (lysine methyltransferase 2E (inactive); plus strand). Cytogenetic location: 7q22.3.
Variant type: single nucleotide variant.
Coding change: c.2335T>C on transcript NM_182931.3 (MANE Select); coding-DNA position 2335, T replaced by C.
Protein change: p.Tyr779His; replaces tyrosine 779 with histidine.
Molecular consequence: missense variant.
Genome position (GRCh38, 1-based): chr7:105,105,577, T>C. VCF-style: chr7-105105577-T-C. GRCh37 (hg19) VCF-style: chr7-104746024-T-C.
Other names: c.2335T>C, p.Tyr779His (NM_001410908.1, NM_018682.4); short protein forms Y779H.
Identifiers: ClinVar variation 1986362 (VCV001986362.5), dbSNP rs868080881, ClinGen allele CA164017092.